The following is an entry in ClinVar:

NM_001042492.3(NF1):c.6446T>A (p.Leu2149Ter)

Gene: NF1 (neurofibromin 1; plus strand). Cytogenetic location: 17q11.2.
Variant type: single nucleotide variant.
Coding change: c.6446T>A on transcript NM_001042492.3 (MANE Select); coding-DNA position 6446, T replaced by A.
Protein change: p.Leu2149Ter; replaces leucine 2149 with a stop codon.
Molecular consequence: nonsense.
Genome position (GRCh38, 1-based): chr17:31,337,386, T>A. VCF-style: chr17-31337386-T-A. GRCh37 (hg19) VCF-style: chr17-29664404-T-A.
Other names: c.6383T>A, p.Leu2128Ter (NM_000267.4); short protein forms L2149*, L2128*.
Identifiers: ClinVar variation 2837663 (VCV002837663.3), dbSNP rs2151555987, ClinGen allele CA399013026.
Genomic context (GRCh38, chr17:31,337,386, plus strand): 5'-GTAATATTTTCTGTCTTTACTTGTTCCTTTATTCTCTTACAGAAGAGACCAAGCAAGTTT[T>A]GAGACTCAGTCTGACAGAGTTCTCATTACCCAAATTTTACTTGCTGTTTGGCATTAGCAA-3'

ClinVar aggregate classification (germline): Pathogenic (1 of 4 stars; one submission).

Conditions:
Neurofibromatosis, type 1 (NF1). Also called: Neurofibromatosis, type I; VON RECKLINGHAUSEN DISEASE; NEUROFIBROMATOSIS, TYPE I, SOMATIC; Peripheral type neurofibromatosis. Identifiers: Orphanet 636, MedGen C0027831, MONDO:0018975, OMIM 162200. Disease mechanism: loss of function.

Submission:

Labcorp Genetics (formerly Invitae), Labcorp
Classification: Pathogenic for Neurofibromatosis, type 1. Last evaluated: 2023-02-15. Review status: criteria provided, single submitter. Criteria: Invitae Variant Classification Sherloc (09022015). Collection method: clinical testing. Allele origin: germline.
Comment: For these reasons, this variant has been classified as Pathogenic. This variant has not been reported in the literature in individuals affected with NF1-related conditions. This variant is not present in population databases (gnomAD no frequency). This sequence change creates a premature translational stop signal (p.Leu2128*) in the NF1 gene. It is expected to result in an absent or disrupted protein product. Loss-of-function variants in NF1 are known to be pathogenic (PMID: 10712197, 23913538).

Literature cited by the submitters: PubMed 10712197; PubMed 23913538.